The following is an entry in ClinVar:

NM_000179.3(MSH6):c.2411A>C (p.Lys804Thr)

Gene: MSH6 (mutS homolog 6; plus strand). Cytogenetic location: 2p16.3.
Variant type: single nucleotide variant.
Coding change: c.2411A>C on transcript NM_000179.3 (MANE Select); coding-DNA position 2411, A replaced by C.
Protein change: p.Lys804Thr; replaces lysine 804 with threonine.
Molecular consequence: missense variant.
Genome position (GRCh38, 1-based): chr2:47,800,394, A>C. VCF-style: chr2-47800394-A-C. GRCh37 (hg19) VCF-style: chr2-48027533-A-C.
Other names: c.2021A>C, p.Lys674Thr (NM_001281492.2); c.1505A>C, p.Lys502Thr (NM_001281493.2, NM_001281494.2); short protein forms K804T, K502T, K674T.
Identifiers: ClinVar variation 631116 (VCV000631116.17), dbSNP rs1558665377, ClinGen allele CA346753976.
Genomic context (GRCh38, chr2:47,800,394, plus strand): 5'-ACCATTATGCTATTAATGATCGTCTAGATGCCATAGAAGACCTCATGGTTGTGCCTGACA[A>C]AATCTCCGAAGTTGTAGAGCTTCTAAAGAAGCTTCCAGATCTTGAGAGGCTACTCAGTAA-3'
Protein context (NP_000170.1, residues 794-814): AIEDLMVVPD[Lys804Thr]ISEVVELLKK

ClinVar aggregate classification (germline): Uncertain significance. Review status: criteria provided, multiple submitters, no conflicts (2 of 4 stars). 4 submissions from 4 submitters: Uncertain significance (4). Last evaluated 2026-03-25.

Conditions:
Hereditary cancer-predisposing syndrome. Also called: Tumor predisposition; Hereditary Cancer Syndrome; Neoplastic Syndromes, Hereditary; Hereditary neoplastic syndrome. Identifiers: Orphanet 140162, MedGen C0027672, MeSH D009386, MONDO:0015356.
Hereditary nonpolyposis colorectal neoplasms. Identifiers: MedGen C0009405, MeSH D003123.

Allele frequency attached by ClinVar (database versions not stated): gnomAD exomes below 0.00001.
gnomAD v4.1: 1 of 1,614,120 alleles (0.000062%); highest among the groups gnomAD compares: East Asian, 0.0022%; no homozygotes.

Submissions (4):

Ambry Genetics
Classification: Uncertain significance for Hereditary cancer-predisposing syndrome. Last evaluated: 2026-03-25. Review status: criteria provided, single submitter. Criteria: Ambry Variant Classification Scheme 2023. Collection method: clinical testing. Allele origin: germline.
Comment: The p.K804T variant (also known as c.2411A>C), located in coding exon 4 of the MSH6 gene, results from an A to C substitution at nucleotide position 2411. The lysine at codon 804 is replaced by threonine, an amino acid with similar properties. This amino acid position is not well conserved in available vertebrate species. In addition, the in silico prediction for this alteration is inconclusive. Based on the available evidence, the clinical significance of this variant remains unclear.

Labcorp Genetics (formerly Invitae), Labcorp
Classification: Uncertain significance for Hereditary nonpolyposis colorectal neoplasms. Last evaluated: 2025-08-22. Review status: criteria provided, single submitter. Criteria: Invitae Variant Classification Sherloc (09022015). Collection method: clinical testing. Allele origin: germline.
Comment: This sequence change replaces lysine, which is basic and polar, with threonine, which is neutral and polar, at codon 804 of the MSH6 protein (p.Lys804Thr). This variant is not present in population databases (gnomAD no frequency). This missense change has been observed in individual(s) with MSH6-related conditions (PMID: 35171259). ClinVar contains an entry for this variant (Variation ID: 631116). Invitae Evidence Modeling of protein sequence and biophysical properties (such as structural, functional, and spatial information, amino acid conservation, physicochemical variation, residue mobility, and thermodynamic stability) indicates that this missense variant is not expected to disrupt MSH6 protein function with a negative predictive value of 95%. In summary, the available evidence is currently insufficient to determine the role of this variant in disease. Therefore, it has been classified as a Variant of Uncertain Significance.

Color Diagnostics, LLC DBA Color Health
Classification: Uncertain significance for Hereditary cancer-predisposing syndrome. Last evaluated: 2021-10-19. Review status: criteria provided, single submitter. Criteria: ACMG Guidelines, 2015. Collection method: clinical testing. Allele origin: germline.
Comment: This missense variant replaces lysine with threonine at codon 804 of the MSH6 protein. Computational prediction suggests that this variant may not impact protein structure and function (internally defined REVEL score threshold <= 0.5, PMID: 27666373). To our knowledge, functional studies have not been reported for this variant. This variant has not been reported in individuals affected with hereditary cancer in the literature. This variant has not been identified in the general population by the Genome Aggregation Database (gnomAD). The available evidence is insufficient to determine the role of this variant in disease conclusively. Therefore, this variant is classified as a Variant of Uncertain Significance.

GeneDx
Classification: Uncertain significance. Last evaluated: 2021-05-27. Review status: criteria provided, single submitter. Criteria: GeneDx Variant Classification Process June 2021. Collection method: clinical testing. Allele origin: germline. Affected: yes.
Comment: Not observed at significant frequency in large population cohorts (Lek 2016); In silico analysis supports that this missense variant does not alter protein structure/function; Has not been previously published as pathogenic or benign to our knowledge; This variant is associated with the following publications: (PMID: 21120944, 17531815, 27535533)

Literature cited by the submitters: PubMed 35171259 (cited by Labcorp Genetics (formerly Invitae), Labcorp).